The following is an entry in ClinVar:

ClinVar aggregate classification (germline): Uncertain significance (1 of 4 stars; one submission).

Allele frequency attached by ClinVar (database versions not stated): gnomAD exomes below 0.00001.
gnomAD v4.1: 1 of 1,613,752 alleles (0.000062%); highest among the groups gnomAD compares: East Asian, 0.0022%; no homozygotes.

Submission:

Ambry Genetics
Classification: Uncertain significance. Last evaluated: 2023-05-26. Review status: criteria provided, single submitter. Criteria: Ambry Variant Classification Scheme 2023. Collection method: clinical testing. Allele origin: germline.
Comment: The p.Q2467K variant (also known as c.7399C>A), located in coding exon 28 of the POLQ gene, results from a C to A substitution at nucleotide position 7399. The glutamine at codon 2467 is replaced by lysine, an amino acid with similar properties. This amino acid position is conserved. In addition, this alteration is predicted to be deleterious by in silico analysis. Since supporting evidence is limited at this time, the clinical significance of this alteration remains unclear.

NM_199420.4(POLQ):c.7399C>A (p.Gln2467Lys)

Gene: POLQ (DNA polymerase theta; minus strand). Cytogenetic location: 3q13.33.
Variant type: single nucleotide variant.
Coding change: c.7399C>A on transcript NM_199420.4 (MANE Select); coding-DNA position 7399, C replaced by A.
Protein change: p.Gln2467Lys; replaces glutamine 2467 with lysine.
Molecular consequence: missense variant.
Genome position (GRCh38, 1-based): chr3:121,436,266, G>T on the plus strand (C>A on the coding strand, the complement: POLQ is on the minus strand). VCF-style: chr3-121436266-G-T. GRCh37 (hg19) VCF-style: chr3-121155113-G-T.
Other names: short protein forms Q2467K.
Identifiers: ClinVar variation 2563868 (VCV002563868.2), dbSNP rs2047543669, ClinGen allele CA354096275.